The following is an entry in ClinVar:

ClinVar aggregate classification (germline): Uncertain significance (1 of 4 stars; one submission).

Conditions:
Fanconi anemia complementation group J. Also called: BRIP1-Related Fanconi Anemia. Identifiers: Orphanet 84, MedGen C1836860, MONDO:0012187, OMIM 609054.
Familial cancer of breast. Also called: BREAST CANCER, FAMILIAL; Hereditary breast cancer; hereditary breast carcinoma. Identifiers: Orphanet 227535, MedGen C0346153, MONDO:0016419, OMIM 114480. Disease mechanism: loss of function.

Submission:

Labcorp Genetics (formerly Invitae), Labcorp
Classification: Uncertain significance for Familial cancer of breast; Fanconi anemia complementation group J. Last evaluated: 2024-08-07. Review status: criteria provided, single submitter. Criteria: Invitae Variant Classification Sherloc (09022015). Collection method: clinical testing. Allele origin: germline.
Comment: This sequence change replaces cysteine, which is neutral and slightly polar, with tyrosine, which is neutral and polar, at codon 298 of the BRIP1 protein (p.Cys298Tyr). This variant is not present in population databases (gnomAD no frequency). This variant has not been reported in the literature in individuals affected with BRIP1-related conditions. Advanced modeling of protein sequence and biophysical properties (such as structural, functional, and spatial information, amino acid conservation, physicochemical variation, residue mobility, and thermodynamic stability) performed at Invitae indicates that this missense variant is expected to disrupt BRIP1 protein function with a positive predictive value of 80%. In summary, the available evidence is currently insufficient to determine the role of this variant in disease. Therefore, it has been classified as a Variant of Uncertain Significance.

NM_032043.3(BRIP1):c.893G>A (p.Cys298Tyr)

Gene: BRIP1 (BRCA1 interacting DNA helicase 1; minus strand). Cytogenetic location: 17q23.2.
Variant type: single nucleotide variant.
Coding change: c.893G>A on transcript NM_032043.3 (MANE Select); coding-DNA position 893, G replaced by A.
Protein change: p.Cys298Tyr; replaces cysteine 298 with tyrosine.
Molecular consequence: missense variant.
Genome position (GRCh38, 1-based): chr17:61,808,492, C>T on the plus strand (G>A on the coding strand, the complement: BRIP1 is on the minus strand). VCF-style: chr17-61808492-C-T. GRCh37 (hg19) VCF-style: chr17-59885853-C-T.
Other names: short protein forms C298Y.
Identifiers: ClinVar variation 2940424 (VCV002940424.3), dbSNP rs1555609140, ClinGen allele CA400484689.
Genomic context (GRCh38, chr17:61,808,492, plus strand): 5'-TTATTTTTTCTCTAACACAAAATAACTTTACTCACGTTTTTCCCATCTAGCAATTCCATG[C>T]ACTTCTCATTTCTGTTGAAGTTACCGACTACCTCAGGATGGACACAAGTATGATCCCTGC-3'
Protein context (NP_114432.2, residues 288-308): VVGNFNRNEK[Cys298Tyr]MELLDGKNGK